The following is an entry in ClinVar:

ClinVar aggregate classification (germline): Conflicting classifications of pathogenicity. Review status: criteria provided, conflicting classifications (1 of 4 stars). 2 submissions from 2 submitters: Uncertain significance (1); Likely benign (1). Last evaluated 2024-12-23.

Conditions:
Cardiovascular phenotype. Identifiers: MedGen CN230736.
Duchenne muscular dystrophy (DMD). Also called: MUSCULAR DYSTROPHY, PSEUDOHYPERTROPHIC PROGRESSIVE, DUCHENNE TYPE; Duchenne Muscular Dystrophy (DMD). Identifiers: Orphanet 98896, MedGen C0013264, MONDO:0010679, OMIM 310200.

gnomAD v4.1: 1 of 1,211,347 alleles (0.000083%); highest among the groups gnomAD compares: Non-Finnish European, 0.00011%; no homozygotes.

Submissions (2):

Ambry Genetics
Classification: Likely benign for Cardiovascular phenotype. Last evaluated: 2024-12-23. Review status: criteria provided, single submitter. Criteria: Ambry Variant Classification Scheme 2023. Collection method: clinical testing. Allele origin: germline.

Labcorp Genetics (formerly Invitae), Labcorp
Classification: Uncertain significance for Duchenne muscular dystrophy. Last evaluated: 2021-12-25. Review status: criteria provided, single submitter. Criteria: Invitae Variant Classification Sherloc (09022015). Collection method: clinical testing. Allele origin: germline.
Comment: This sequence change replaces arginine, which is basic and polar, with serine, which is neutral and polar, at codon 343 of the DMD protein (p.Arg343Ser). This variant is not present in population databases (gnomAD no frequency). This variant has not been reported in the literature in individuals affected with DMD-related conditions. Algorithms developed to predict the effect of missense changes on protein structure and function output the following: SIFT: "Tolerated"; PolyPhen-2: "Benign"; Align-GVGD: "Class C0". The serine amino acid residue is found in multiple mammalian species, which suggests that this missense change does not adversely affect protein function. In summary, the available evidence is currently insufficient to determine the role of this variant in disease. Therefore, it has been classified as a Variant of Uncertain Significance.

NM_004006.3(DMD):c.1027C>A (p.Arg343Ser)

Gene: DMD (dystrophin; minus strand). Cytogenetic location: Xp21.1.
Variant type: single nucleotide variant.
Coding change: c.1027C>A on transcript NM_004006.3 (MANE Select); coding-DNA position 1027, C replaced by A.
Protein change: p.Arg343Ser; replaces arginine 343 with serine.
Molecular consequence: missense variant.
Genome position (GRCh38, 1-based): chrX:32,645,086, G>T on the plus strand (C>A on the coding strand, the complement: DMD is on the minus strand). VCF-style: chrX-32645086-G-T. GRCh37 (hg19) VCF-style: chrX-32663203-G-T.
Other names: c.1003C>A, p.Arg335Ser (NM_000109.4); c.1015C>A, p.Arg339Ser (NM_004009.3); c.658C>A, p.Arg220Ser (NM_004010.3); short protein forms R335S, R339S, R343S, R220S.
Identifiers: ClinVar variation 2188265 (VCV002188265.2), dbSNP rs778460564, ClinGen allele CA412662180.